The following continues an entry in ClinVar:

NM_000059.4(BRCA2):c.9253dup (p.Thr3085fs)

Gene: BRCA2. ClinVar aggregate classification (germline): Pathogenic. Pathogenic (1).

Submissions 26 to 36 of 36:

deCODE genetics, Amgen
Classification: Likely pathogenic for Breast-ovarian cancer, familial, susceptibility to, 2. Last evaluated: 2023-07-21. Review status: no assertion criteria provided. Collection method: research. Allele origin: germline. Affected: yes. Observed: 1 variant allele. Not counted in ClinVar's aggregate classification.
Comment: The variant NM_000059.4:c.9253dup (chr13:32380135) in BRCA2 was detected in 1 heterozygote out of 58K WGS Icelanders (MAF= 0,001%). This variant has been reported in ClinVar previously as pathogenic. Based on ACMG criteria (PVS1, PM2) this variant classifies as likely pathogenic.

BRCAlab, Lund University
Classification: Pathogenic for Breast-ovarian cancer, familial, susceptibility to, 2. Last evaluated: 2020-03-02. Review status: no assertion criteria provided. Collection method: clinical testing. Allele origin: germline. Affected: yes. Not counted in ClinVar's aggregate classification.

German Consortium for Hereditary Breast and Ovarian Cancer, University Hospital Cologne
Classification: Pathogenic for Ovarian neoplasm. Last evaluated: 2018-12-01. Review status: no assertion criteria provided. Collection method: research. Allele origin: germline. Affected: yes. Not counted in ClinVar's aggregate classification.

Gharavi Laboratory, Columbia University
Classification: Pathogenic. Last evaluated: 2018-09-16. Review status: no assertion criteria provided. Criteria: ACMG Guidelines, 2015. Collection method: research. Allele origin: germline. Affected: yes. Not counted in ClinVar's aggregate classification.

Counsyl
Classification: Likely pathogenic for Breast-ovarian cancer, familial 2. Last evaluated: 2014-06-16. Review status: no assertion criteria provided. Collection method: literature only. Allele origin: unknown. Inheritance: Autosomal dominant inheritance. Not counted in ClinVar's aggregate classification.

Research Molecular Genetics Laboratory, Women's College Hospital, University of Toronto
Classification: Pathogenic for Hereditary breast ovarian cancer syndrome. Last evaluated: 2014-01-31. Review status: no assertion criteria provided. Collection method: research. Allele origin: germline. Affected: yes. Study: The Canadian Open Genetics Repository (COGR). Not counted in ClinVar's aggregate classification.

Sharing Clinical Reports Project (SCRP)
Classification: Pathogenic for Breast-ovarian cancer, familial 2. Last evaluated: 2012-12-11. Review status: no assertion criteria provided. Collection method: clinical testing. Allele origin: germline. Not counted in ClinVar's aggregate classification.

Breast Cancer Information Core (BIC) (BRCA2)
Classification: Pathogenic for Breast-ovarian cancer, familial 2. Last evaluated: 2002-05-29. Review status: no assertion criteria provided. Collection method: clinical testing. Allele origin: germline. Affected: yes. Observed: 19 variant alleles. Not counted in ClinVar's aggregate classification.

Department of Pathology and Laboratory Medicine, Sinai Health System
Classification: Pathogenic. Review status: no assertion criteria provided. Collection method: clinical testing. Allele origin: unknown. Affected: yes. Study: The Canadian Open Genetics Repository (COGR). Not counted in ClinVar's aggregate classification.
Comment: The BRCA2 p.Thr3085AsnfsX26 variant was identified in 13 of 20330 proband chromosomes (frequency: 0.0006) from German, Danish, Korean, American, and British individuals or families with (sporadic, high risk, early onset, or male) breast cancer, sporadic or familial ovarian cancer or prostate cancer (Meindl_2002_11802209, Bergthorsson_2001_11389159, Kang_2015_25863477 , Kim_2012_22798144, Pal_2015_26287763 , Pritzlaff_2016_28008555, Kote-Jarai_2011_21952622, Rebbeck_2016_27836010, Borg_2010_20104584, Cybulski_2015_25330149). The variant was also identified in dbSNP (ID: rs80359752) â€šÃ„ÃºWith Pathogenic alleleâ€šÃ„Ã¹, ClinVar (classified pathogenic, reviewed by an expert panel (2016); submitters: pathogenic by ENIGMA, CIMBA, Fulgent Genetics, Ambry Genetics, GeneDx, Color Genomics Inc, Quest Diagnostics Nichols Institute San Juan Capistrano, Invitae, Dept. of Medical Genetics (Oslo University Hospital), BIC and SCRP (Sharing Clinical Reports Project); and likely pathogenic by Counsyl), Clinvitae (4x), GeneInsight-COGR (classified pathogenic by 2 clinical laboratories), LOVD 3.0 (1x), UMD-LSDB (5x causal), BIC Database (19x, with clinical importance, class 5 (pathogenic)), ARUP Laboratories (5-definitely pathogenic), Zhejiang Colon Cancer Database; the variant was not identified in Cosmic, MutDB, the 1000 Genomes Project, the NHLBI GO Exome Sequencing Project, the Exome Aggregation Consortium (August 8th 2016), or the Genome Aggregation Database (Feb 27, 2017). The c.9253dupA variant is predicted to cause a frameshift, which alters the protein's amino acid sequence beginning at codon 3085 and leads to a premature stop codon at position 3110. This alteration is then predicted to result in a truncated or absent protein and loss of function. Loss of function variants of the BRCA2 gene are an established mechanism of disease in hereditary breast and ovarian cancer and is the type of variant expected to cause the disorder. In summary, based on the above information this variant meets our laboratoryâ€šÃ„Ã´s criteria to be classified as pathogenic.

Diagnostic Laboratory, Department of Genetics, University Medical Center Groningen
Classification: Pathogenic for Breast-ovarian cancer, familial, susceptibility to, 2. Review status: no assertion criteria provided. Collection method: clinical testing. Allele origin: germline. Affected: yes. Study: VKGL Data-share Consensus. Not counted in ClinVar's aggregate classification.

Genome Diagnostics Laboratory, University Medical Center Utrecht
Classification: Pathogenic. Review status: no assertion criteria provided. Collection method: clinical testing. Allele origin: germline. Affected: yes. Study: VKGL Data-share Consensus. Not counted in ClinVar's aggregate classification.

Literature cited by the submitters: PubMed 20104584 (cited by 4 submitters); PubMed 11389159 (cited by 9 submitters); PubMed 16455195 (cited by 3 submitters); PubMed 16683254 (cited by 4 submitters); PubMed 19656164 (cited by 3 submitters); PubMed 21952622 (cited by 6 submitters); PubMed 22798144 (cited by 9 submitters); PubMed 23569316 (cited by 6 submitters); PubMed 25330149 (cited by 5 submitters); PubMed 20301425 (cited by Variantyx, Inc.); PubMed 6683254 (cited by Variantyx, Inc.); PubMed 33471991 (cited by 3 submitters); PubMed 30287823 (cited by 3 submitters); PubMed 37804357 (cited by Quest Diagnostics Nichols Institute San Juan Capistrano); PubMed 33558524 (cited by Quest Diagnostics Nichols Institute San Juan Capistrano); PubMed 32019277 (cited by Quest Diagnostics Nichols Institute San Juan Capistrano); PubMed 30322717 (cited by Quest Diagnostics Nichols Institute San Juan Capistrano); PubMed 30972954 (cited by Quest Diagnostics Nichols Institute San Juan Capistrano and Center for Genomic Medicine, Rigshospitalet, Copenhagen University Hospital); PubMed 29915322 (cited by Quest Diagnostics Nichols Institute San Juan Capistrano); PubMed 31396961 (cited by Quest Diagnostics Nichols Institute San Juan Capistrano); PubMed 30702160 (cited by Quest Diagnostics Nichols Institute San Juan Capistrano); PubMed 25863477 (cited by 4 submitters); PubMed 11802209 (cited by Ambry Genetics); PubMed 26287763 (cited by 4 submitters); PubMed 28008555 (cited by 3 submitters); PubMed 27836010 (cited by Women's Health and Genetics/Laboratory Corporation of America, LabCorp).